The following is an entry in ClinVar:

ClinVar aggregate classification (germline): Uncertain significance. Review status: criteria provided, multiple submitters, no conflicts (2 of 4 stars). 4 submissions from 4 submitters: Uncertain significance (3). 1 of the submissions does not count toward it. Last evaluated 2025-06-01.

Conditions:
Developmental and epileptic encephalopathy, 82. Also called: EPILEPTIC ENCEPHALOPATHY, EARLY INFANTILE, 82; GLUTAMATE OXALOACETATE TRANSAMINASE, MITOCHONDRIAL, DEFICIENCY OF; GOT2 DEFICIENCY. Identifiers: MedGen C5231473, MONDO:0032880, OMIM 618721.
GOT2-related disorder. Also called: GOT2-related condition.

Allele frequency attached by ClinVar (database versions not stated): 1000 Genomes Project 0.00040; 1000 Genomes Project 30x 0.00047; gnomAD 0.00057 and 0.00061; TOPMed 0.00068; gnomAD exomes 0.00083; ExAC 0.00095; ESP Exome Variant Server 0.00115.
gnomAD v4.1: 1,624 of 1,576,972 alleles (0.1%); highest among the groups gnomAD compares: Non-Finnish European, 0.13%; 1 homozygote.

Submissions (4):

CeGaT Center for Human Genetics Tuebingen
Classification: Uncertain significance. Last evaluated: 2025-06-01. Review status: criteria provided, single submitter. Criteria: CeGaT Center For Human Genetics Tuebingen Variant Classification Criteria Version 2. Collection method: clinical testing. Allele origin: germline. Affected: yes. Observed: 3 variant alleles.
Comment: GOT2: PP3

Fulgent Genetics
Classification: Uncertain significance for Developmental and epileptic encephalopathy, 82. Last evaluated: 2024-05-21. Review status: criteria provided, single submitter. Criteria: ACMG Guidelines, 2015. Collection method: clinical testing. Allele origin: germline.

Labcorp Genetics (formerly Invitae), Labcorp
Classification: Uncertain significance. Last evaluated: 2022-10-17. Review status: criteria provided, single submitter. Criteria: Invitae Variant Classification Sherloc (09022015). Collection method: clinical testing. Allele origin: germline.
Comment: This sequence change replaces aspartic acid, which is acidic and polar, with asparagine, which is neutral and polar, at codon 197 of the GOT2 protein (p.Asp197Asn). This variant is present in population databases (rs149988435, gnomAD 0.1%), and has an allele count higher than expected for a pathogenic variant. This variant has not been reported in the literature in individuals affected with GOT2-related conditions. ClinVar contains an entry for this variant (Variation ID: 1390821). Algorithms developed to predict the effect of missense changes on protein structure and function (SIFT, PolyPhen-2, Align-GVGD) all suggest that this variant is likely to be tolerated. In summary, the available evidence is currently insufficient to determine the role of this variant in disease. Therefore, it has been classified as a Variant of Uncertain Significance.

PreventionGenetics, part of Exact Sciences
Classification: Likely benign for GOT2-related condition. Last evaluated: 2024-05-15. Review status: no assertion criteria provided. Collection method: clinical testing. Allele origin: germline. Not counted in ClinVar's aggregate classification.
Comment: This variant is classified as likely benign based on ACMG/AMP sequence variant interpretation guidelines (Richards et al. 2015 PMID: 25741868, with internal and published modifications).

NM_002080.4(GOT2):c.589G>A (p.Asp197Asn)

Genes: GOT2 (glutamic-oxaloacetic transaminase 2; minus strand), LOC126862363 (BRD4-independent group 4 enhancer GRCh37_chr16:58751959-58753158; plus strand). Cytogenetic location: 16q21.
Variant type: single nucleotide variant.
Coding change: c.589G>A on transcript NM_002080.4 (MANE Select); coding-DNA position 589, G replaced by A.
Protein change: p.Asp197Asn; replaces aspartic acid 197 with asparagine.
Molecular consequence: missense variant.
Genome position (GRCh38, 1-based): chr16:58,718,535, C>T on the plus strand (G>A on the coding strand, the complement: GOT2 is on the minus strand). VCF-style: chr16-58718535-C-T. GRCh37 (hg19) VCF-style: chr16-58752439-C-T.
Other names: c.589G>A (NM_002080.3); c.460G>A, p.Asp154Asn (NM_001286220.2); short protein forms D154N, D197N.
Identifiers: ClinVar variation 1390821 (VCV001390821.30), dbSNP rs149988435, ClinGen allele CA8091012.